The following is an entry in ClinVar:

ClinVar aggregate classification (germline): Pathogenic (1 of 4 stars; one submission).

Conditions:
Intellectual developmental disorder, autosomal dominant 50, with behavioral abnormalities. Also called: MENTAL RETARDATION, AUTOSOMAL DOMINANT 50; Intellectual disability, autosomal dominant 50. Identifiers: MedGen C4540470, MONDO:0030916, OMIM 617787.

Submission:

Victorian Clinical Genetics Services, Murdoch Childrens Research Institute
Classification: Pathogenic for Intellectual developmental disorder, autosomal dominant 50, with behavioral abnormalities. Last evaluated: 2025-12-29. Review status: criteria provided, single submitter. Criteria: ACMG Guidelines, 2015. Collection method: clinical testing. Allele origin: germline. Affected: yes.
Comment: This variant is classified as Pathogenic. Evidence in support of pathogenic classification: Variant is predicted to cause nonsense-mediated decay (NMD) and loss of protein (premature termination codon is located at least 54 nucleotides upstream of the final exon-exon junction); Variant is absent from gnomAD (v2, v3 and v4); Other NMD-predicted variants comparable to the one identified in this case have very strong previous evidence for pathogenicity (DECIPHER); Additional information: This variant is heterozygous; This gene is associated with autosomal dominant disease; This variant has no previous evidence of pathogenicity; No published evidence of segregation with disease has been identified for this variant; No published functional evidence has been identified for this variant; Loss of function is a known mechanism of disease in this gene and is associated with intellectual developmental disorder, autosomal dominant 50, with behavioural abnormalities (MIM#617787); Variants in this gene are known to have variable expressivity (OMIM).

NM_057175.5(NAA15):c.624del (p.Ala209fs)

Gene: NAA15 (N-alpha-acetyltransferase 15, NatA auxiliary subunit; plus strand). Cytogenetic location: 4q31.1.
Variant type: Deletion.
Coding change: c.624del on transcript NM_057175.5 (MANE Select); coding-DNA position 624, one base deleted (A; older notation c.624delA).
Protein change: p.Ala209fs; shifts the reading frame from alanine 209.
Molecular consequence: frameshift variant.
Genome position (GRCh38, 1-based): chr4:139,344,272, A deleted; the last of 2 consecutive A bases (chr4:139,344,271-139,344,272); deleting either gives the same sequence. VCF-style (leftmost placement, unchanged base first): chr4-139344270-GA-G. GRCh37 (hg19) VCF-style: chr4-140265424-GA-G.
Other names: c.624del, p.Ala209fs (NM_001410842.1); short protein forms A209fs.
Identifiers: ClinVar variation 4819003 (VCV004819003.1).